The following is an entry in ClinVar:

ClinVar aggregate classification (germline): Conflicting classifications of pathogenicity. Review status: criteria provided, conflicting classifications (1 of 4 stars). 5 submissions from 5 submitters: Uncertain significance (3); Benign (1); Likely benign (1). Last evaluated 2025-11-05.

Conditions:
Hereditary cancer-predisposing syndrome. Also called: Tumor predisposition; Hereditary Cancer Syndrome; Hereditary neoplastic syndrome; Neoplastic Syndromes, Hereditary. Identifiers: Orphanet 140162, MedGen C0027672, MeSH D009386, MONDO:0015356.
Tuberous sclerosis syndrome (TSC). Also called: Tuberous Sclerosis Complex; Tuberous sclerosis. Identifiers: Orphanet 805, MedGen C0041341, MONDO:0001734.
Tuberous sclerosis 1 (TSC1). Identifiers: Orphanet 805, MedGen C1854465, MONDO:0008612, OMIM 191100.

Allele frequency attached by ClinVar (database versions not stated): TOPMed below 0.00001; ExAC 0.00001; gnomAD 0.00001; gnomAD exomes 0.00001.
gnomAD v4.1: 7 of 1,614,034 alleles (0.00043%); highest among the groups gnomAD compares: Non-Finnish European, 0.00059%; no homozygotes.

Submissions (5):

Labcorp Genetics (formerly Invitae), Labcorp
Classification: Benign for Tuberous sclerosis 1. Last evaluated: 2025-11-05. Review status: criteria provided, single submitter. Criteria: Invitae Variant Classification Sherloc (09022015). Collection method: clinical testing. Allele origin: germline.

Color Diagnostics, LLC DBA Color Health
Classification: Uncertain significance for Tuberous sclerosis syndrome. Last evaluated: 2025-06-17. Review status: criteria provided, single submitter. Criteria: ACMG Guidelines, 2015. Collection method: clinical testing. Allele origin: germline.
Comment: This missense variant replaces methionine with threonine at codon 771 of the TSC1 protein. Computational prediction suggests that this variant may not impact protein structure and function. To our knowledge, functional studies have not been reported for this variant. This variant has not been reported in individuals affected with TSC1-related disorders in the literature. This variant has been identified in 3/282862 chromosomes in the general population by the Genome Aggregation Database (gnomAD). The available evidence is insufficient to determine the role of this variant in disease conclusively. Therefore, this variant is classified as a Variant of Uncertain Significance.

Ambry Genetics
Classification: Uncertain significance for Hereditary cancer-predisposing syndrome. Last evaluated: 2024-09-16. Review status: criteria provided, single submitter. Criteria: Ambry Variant Classification Scheme 2023. Collection method: clinical testing. Allele origin: germline.
Comment: The p.M771T variant (also known as c.2312T>C), located in coding exon 16 of the TSC1 gene, results from a T to C substitution at nucleotide position 2312. The methionine at codon 771 is replaced by threonine, an amino acid with similar properties. This amino acid position is poorly conserved in available vertebrate species. In addition, this alteration is predicted to be tolerated by in silico analysis. Based on the available evidence, the clinical significance of this variant remains unclear.

All of Us Research Program, National Institutes of Health
Classification: Uncertain significance for Tuberous sclerosis syndrome. Last evaluated: 2023-04-27. Review status: criteria provided, single submitter. Criteria: ACMG Guidelines, 2015. Collection method: clinical testing. Allele origin: germline. Inheritance: Autosomal dominant inheritance. Observed: 2 variant alleles, 2 heterozygotes.
Comment: This missense variant replaces methionine with threonine at codon 771 of the TSC1 protein. Computational prediction suggests that this variant may not impact protein structure and function (internally defined REVEL score threshold <= 0.5, PMID: 27666373). To our knowledge, functional studies have not been reported for this variant. This variant has not been reported in individuals affected with TSC1-related disorders in the literature. This variant has been identified in 3/282862 chromosomes in the general population by the Genome Aggregation Database (gnomAD). The available evidence is insufficient to determine the role of this variant in disease conclusively. Therefore, this variant is classified as a Variant of Uncertain Significance.

This study involves interpretation of variants in research participants for the purpose of population health screening. Participant phenotype was not available at the time of variant classification. Additional details can be found in publication PMID: 35346344, PMCID: PMC8962531

Genome-Nilou Lab
Classification: Likely benign for Tuberous sclerosis 1. Last evaluated: 2021-11-07. Review status: criteria provided, single submitter. Criteria: ACMG Guidelines, 2015. Collection method: clinical testing. Allele origin: germline. Affected: no.

NM_000368.5(TSC1):c.2312T>C (p.Met771Thr)

Gene: TSC1 (TSC complex subunit 1; minus strand). Cytogenetic location: 9q34.13.
Variant type: single nucleotide variant.
Coding change: c.2312T>C on transcript NM_000368.5 (MANE Select); coding-DNA position 2312, T replaced by C.
Protein change: p.Met771Thr; replaces methionine 771 with threonine.
Molecular consequence: missense variant.
Genome position (GRCh38, 1-based): chr9:132,902,684, A>G on the plus strand (T>C on the coding strand, the complement: TSC1 is on the minus strand). VCF-style: chr9-132902684-A-G. GRCh37 (hg19) VCF-style: chr9-135778071-A-G.
Other names: c.2309T>C, p.Met770Thr (NM_001162426.2); c.2159T>C, p.Met720Thr (NM_001162427.2); c.1949T>C, p.Met650Thr (NM_001362177.2); short protein forms M771T, M720T, M650T, M770T.
Identifiers: ClinVar variation 185435 (VCV000185435.21), dbSNP rs760208449, ClinGen allele CA006280.